The following is an entry in ClinVar:

NM_001352754.2(ARMC9):c.2132-2A>G

Genes: ARMC9 (armadillo repeat containing 9; plus strand), LOC122861306 (Sharpr-MPRA regulatory region 9410; plus strand). Cytogenetic location: 2q37.1.
Variant type: single nucleotide variant.
Coding change: c.2132-2A>G on transcript NM_001352754.2 (MANE Select); the canonical splice acceptor site of the intron before coding-DNA position 2132, A replaced by G.
Molecular consequence: splice acceptor variant.
Genome position (GRCh38, 1-based): chr2:231,360,752, A>G. VCF-style: chr2-231360752-A-G. GRCh37 (hg19) VCF-style: chr2-232225464-A-G.
Other names: c.2132-2A>G (NM_001271466.4).
Identifiers: ClinVar variation 1508249 (VCV001508249.6), dbSNP rs1220581324, ClinGen allele CA350958007.
Genomic context (GRCh38, chr2:231,360,752, plus strand): 5'-GAGGGCATCCTTAGAGGGGCTCCAGAGCAGATGTGGACTGAACTTTCTCTCCTCCTCCCC[A>G]GCAGCCATCATCGCCAAGCCAGGAGAGTGGCTCCCAAGAGGACGCCAGGAAGAGCCTCGC-3'

ClinVar aggregate classification (germline): Likely pathogenic (1 of 4 stars; one submission).

Submission:

Labcorp Genetics (formerly Invitae), Labcorp
Classification: Likely pathogenic. Last evaluated: 2021-05-19. Review status: criteria provided, single submitter. Criteria: Invitae Variant Classification Sherloc (09022015). Collection method: clinical testing. Allele origin: germline.
Comment: In summary, the currently available evidence indicates that the variant is pathogenic, but additional data are needed to prove that conclusively. Therefore, this variant has been classified as Likely Pathogenic. Donor and acceptor splice site variants typically lead to a loss of protein function (PMID: 16199547), and loss-of-function variants in ARMC9 are known to be pathogenic (PMID: 28625504). This variant has not been reported in the literature in individuals with ARMC9-related conditions. The frequency data for this variant in the population databases is considered unreliable, as metrics indicate insufficient coverage at this position in the ExAC database. This sequence change affects an acceptor splice site in intron 21 of the ARMC9 gene. It is expected to disrupt RNA splicing. Variants that disrupt the donor or acceptor splice site typically lead to a loss of protein function (PMID: 16199547), and loss-of-function variants in ARMC9 are known to be pathogenic (PMID: 28625504).

Literature cited by the submitters: PubMed 16199547; PubMed 28625504.